The following is an entry in ClinVar:

ClinVar aggregate classification (germline): Uncertain significance. Review status: criteria provided, multiple submitters, no conflicts (2 of 4 stars). 4 submissions from 4 submitters: Uncertain significance (4). Last evaluated 2025-08-05.

Conditions:
Inborn genetic diseases. Identifiers: MedGen C0950123, MeSH D030342.
Neuronopathy, distal hereditary motor, type 7B. Also called: NEURONOPATHY, DISTAL HEREDITARY MOTOR, AUTOSOMAL DOMINANT 14; NEURONOPATHY, DISTAL HEREDITARY MOTOR, HARDING TYPE VIIB; NEUROPATHY, DISTAL HEREDITARY MOTOR, HARDING TYPE VIIB; NEUROPATHY, DISTAL HEREDITARY MOTOR, WITH VOCAL CORD PARALYSIS, HARDING TYPE VIIB; HMN VIIB; Distal Hereditary Motor Neuronopathy Type 7B (dHMN7B). Identifiers: Orphanet 139589, MedGen C1843315, MONDO:0011879, OMIM 607641.
Perry syndrome. Also called: PARKINSONISM WITH ALVEOLAR HYPOVENTILATION AND MENTAL DEPRESSION. Identifiers: Orphanet 178509, MedGen C1868594, MONDO:0008201, OMIM 168605.
Amyotrophic lateral sclerosis type 1 (ALS1). Also called: AMYOTROPHIC LATERAL SCLEROSIS 1, FAMILIAL. Identifiers: Orphanet 803, MedGen C1862939, MONDO:0007103, OMIM 105400.
DCTN1-related disorder. Also called: DCTN1-related condition.

Allele frequency attached by ClinVar (database versions not stated): ExAC 0.00002; gnomAD 0.00002; gnomAD exomes 0.00002; TOPMed 0.00002.
gnomAD v4.1: 30 of 1,613,950 alleles (0.0019%); highest among the groups gnomAD compares: African/African-American, 0.0027%; no homozygotes.

Submissions (4):

PreventionGenetics, part of Exact Sciences
Classification: Uncertain significance for DCTN1-related condition. Last evaluated: 2025-08-05. Review status: criteria provided, single submitter. Criteria: ACMG Guidelines, 2015. Collection method: clinical testing. Allele origin: germline.
Comment: The DCTN1 c.3824G>A variant is predicted to result in the amino acid substitution p.Arg1275His. To our knowledge, this variant has not been reported in the literature, although a different substitution impacting the same amino acid (p.Arg1275Cys) was reported to have occurred de novo in an individual with features consistent with amyotrophic lateral sclerosis (ALS) (Tian et al. 2020. PubMed ID: 32023010). This variant is reported in 0.0062% of alleles in individuals of African descent in gnomAD. At this time, the clinical significance of this variant is uncertain due to the absence of conclusive functional and genetic evidence.

Labcorp Genetics (formerly Invitae), Labcorp
Classification: Uncertain significance for Amyotrophic lateral sclerosis type 1; Neuronopathy, distal hereditary motor, type 7B; Perry syndrome. Last evaluated: 2025-01-27. Review status: criteria provided, single submitter. Criteria: Invitae Variant Classification Sherloc (09022015). Collection method: clinical testing. Allele origin: germline.
Comment: This sequence change replaces arginine, which is basic and polar, with histidine, which is basic and polar, at codon 1275 of the DCTN1 protein (p.Arg1275His). This variant is present in population databases (rs560344779, gnomAD 0.007%). This variant has not been reported in the literature in individuals affected with DCTN1-related conditions. ClinVar contains an entry for this variant (Variation ID: 570076). Invitae Evidence Modeling of protein sequence and biophysical properties (such as structural, functional, and spatial information, amino acid conservation, physicochemical variation, residue mobility, and thermodynamic stability) indicates that this missense variant is not expected to disrupt DCTN1 protein function with a negative predictive value of 95%. This variant disrupts the p.Arg1275 amino acid residue in DCTN1. Other variant(s) that disrupt this residue have been determined to be pathogenic (PMID: 28251916, 32023010; internal data). This suggests that this residue is clinically significant, and that variants that disrupt this residue are likely to be disease-causing. In summary, the available evidence is currently insufficient to determine the role of this variant in disease. Therefore, it has been classified as a Variant of Uncertain Significance.

Women's Health and Genetics/Laboratory Corporation of America, LabCorp
Classification: Uncertain significance. Last evaluated: 2024-10-08. Review status: criteria provided, single submitter. Criteria: LabCorp Variant Classification Summary - May 2015. Collection method: clinical testing. Allele origin: germline.
Comment: Variant summary: DCTN1 c.3824G>A (p.Arg1275His) results in a non-conservative amino acid change in the encoded protein sequence. Three of five in-silico tools predict a benign effect of the variant on protein function. The variant allele was found at a frequency of 1.6e-05 in 251220 control chromosomes. The available data on variant occurrences in the general population are insufficient to allow any conclusion about variant significance. To our knowledge, no occurrence of c.3824G>A in individuals affected with Neuronopathy, distal hereditary motor, type 7B and no experimental evidence demonstrating its impact on protein function have been reported. ClinVar contains an entry for this variant (Variation ID: 570076). Based on the evidence outlined above, the variant was classified as uncertain significance.

Ambry Genetics
Classification: Uncertain significance for Inborn genetic diseases. Last evaluated: 2021-04-19. Review status: criteria provided, single submitter. Criteria: Ambry Variant Classification Scheme 2023. Collection method: clinical testing. Allele origin: germline.
Comment: The p.R1275H variant (also known as c.3824G>A), located in coding exon 32 of the DCTN1 gene, results from a G to A substitution at nucleotide position 3824. The arginine at codon 1275 is replaced by histidine, an amino acid with highly similar properties. This amino acid position is well conserved in available vertebrate species. In addition, the in silico prediction for this alteration is inconclusive. Since supporting evidence is limited at this time, the clinical significance of this alteration remains unclear.

Literature cited by the submitters: PubMed 28251916 (cited by Labcorp Genetics (formerly Invitae), Labcorp); PubMed 32023010 (cited by Labcorp Genetics (formerly Invitae), Labcorp).

NM_004082.5(DCTN1):c.3824G>A (p.Arg1275His)

Gene: DCTN1 (dynactin subunit 1; minus strand). Cytogenetic location: 2p13.1.
Variant type: single nucleotide variant.
Coding change: c.3824G>A on transcript NM_004082.5 (MANE Select); coding-DNA position 3824, G replaced by A.
Protein change: p.Arg1275His; replaces arginine 1275 with histidine.
Molecular consequence: missense variant. On other transcripts: non-coding transcript variant (1).
Genome position (GRCh38, 1-based): chr2:74,361,512, C>T on the plus strand (G>A on the coding strand, the complement: DCTN1 is on the minus strand). VCF-style: chr2-74361512-C-T. GRCh37 (hg19) VCF-style: chr2-74588639-C-T.
Other names: c.3749G>A, p.Arg1250His (NM_001135040.3); c.3407G>A, p.Arg1136His (NM_001135041.3); c.3698G>A, p.Arg1233His (NM_001190836.2); c.3803G>A, p.Arg1268His (NM_001190837.2); c.3773G>A, p.Arg1258His (NM_001378991.1); c.3755G>A, p.Arg1252His (NM_001378992.1); c.3422G>A, p.Arg1141His (NM_023019.4); short protein forms R1233H, R1275H, R1141H, R1250H, R1268H, R1136H, R1252H, R1258H.
Identifiers: ClinVar variation 570076 (VCV000570076.13), dbSNP rs560344779, ClinGen allele CA1721338.